The following is an entry in ClinVar:

ClinVar aggregate classification (germline): Uncertain significance (1 of 4 stars; one submission).

Allele frequency attached by ClinVar (database versions not stated): ExAC 0.00001; gnomAD exomes 0.00001; TOPMed 0.00001.
gnomAD v4.1: 3 of 1,613,656 alleles (0.00019%); highest among the groups gnomAD compares: Non-Finnish European, 0.00025%; no homozygotes.

Submission:

Labcorp Genetics (formerly Invitae), Labcorp
Classification: Uncertain significance. Last evaluated: 2024-02-19. Review status: criteria provided, single submitter. Criteria: Invitae Variant Classification Sherloc (09022015). Collection method: clinical testing. Allele origin: germline.
Comment: This sequence change replaces proline, which is neutral and non-polar, with leucine, which is neutral and non-polar, at codon 1502 of the TOP2B protein (p.Pro1502Leu). The frequency data for this variant in the population databases is considered unreliable, as metrics indicate poor data quality at this position in the gnomAD database. This variant has not been reported in the literature in individuals affected with TOP2B-related conditions. ClinVar contains an entry for this variant (Variation ID: 1978530). An algorithm developed to predict the effect of missense changes on protein structure and function (PolyPhen-2) suggests that this variant is likely to be tolerated. In summary, the available evidence is currently insufficient to determine the role of this variant in disease. Therefore, it has been classified as a Variant of Uncertain Significance.

NM_001330700.2(TOP2B):c.4520C>T (p.Pro1507Leu)

Gene: TOP2B (DNA topoisomerase II beta; minus strand). Cytogenetic location: 3p24.2.
Variant type: single nucleotide variant.
Coding change: c.4520C>T on transcript NM_001330700.2 (MANE Select); coding-DNA position 4520, C replaced by T.
Protein change: p.Pro1507Leu; replaces proline 1507 with leucine.
Molecular consequence: missense variant.
Genome position (GRCh38, 1-based): chr3:25,601,195, G>A on the plus strand (C>T on the coding strand, the complement: TOP2B is on the minus strand). VCF-style: chr3-25601195-G-A. GRCh37 (hg19) VCF-style: chr3-25642686-G-A.
Other names: c.4505C>T, p.Pro1502Leu (NM_001068.3); short protein forms P1507L, P1502L.
Identifiers: ClinVar variation 1978530 (VCV001978530.4), dbSNP rs780086570, ClinGen allele CA2288072.
Genomic context (GRCh38, chr3:25,601,195, plus strand): 5'-TCTGAATCCGAGTCAGAGTTTACAGCCTCTACTACTTTCTTCTGTTTTGGGGCTCTCTTG[G>A]GCTTAGGGACTGTATCTGAAGACGGTTTTCCTAGTAAGCAAATTTCCATTTCACAGGTCA-3'
Protein context (NP_001317629.1, residues 1497-1517): GKPSSDTVPK[Pro1507Leu]KRAPKQKKVV